The following is an entry in ClinVar:

NM_025074.7(FRAS1):c.6145G>A (p.Val2049Met)

Gene: FRAS1 (Fraser extracellular matrix complex subunit 1; plus strand). Cytogenetic location: 4q21.21.
Variant type: single nucleotide variant.
Coding change: c.6145G>A on transcript NM_025074.7 (MANE Select); coding-DNA position 6145, G replaced by A.
Protein change: p.Val2049Met; replaces valine 2049 with methionine.
Molecular consequence: missense variant.
Genome position (GRCh38, 1-based): chr4:78,448,187, G>A. VCF-style: chr4-78448187-G-A. GRCh37 (hg19) VCF-style: chr4-79369341-G-A.
Other names: c.6145G>A (NM_025074.6); short protein forms V2049M.
Identifiers: ClinVar variation 1923192 (VCV001923192.4), dbSNP rs764148711, ClinGen allele CA2977709.
Genomic context (GRCh38, chr4:78,448,187, plus strand): 5'-ACCTACCAGGATATCCTAGCTGGGCTGGTTGGGTATGTGCCTAGTGTCCCTGGCATGGTC[G>A]TGGATGAGTTCCAGTTCTCCCTCACTGATGGCCTCCACGTGGACACAGGGAGGATGAAGA-3'
Protein context (NP_079350.5, residues 2039-2059): GYVPSVPGMV[Val2049Met]DEFQFSLTDG

ClinVar aggregate classification (germline): Uncertain significance. Review status: criteria provided, multiple submitters, no conflicts (2 of 4 stars). 2 submissions from 2 submitters: Uncertain significance (2). Last evaluated 2023-05-24.

Conditions:
Inborn genetic diseases. Identifiers: MedGen C0950123, MeSH D030342.

Allele frequency attached by ClinVar (database versions not stated): gnomAD exomes 0.00001; ExAC 0.00002; TOPMed 0.00002; gnomAD 0.00003.
gnomAD v4.1: 21 of 1,613,426 alleles (0.0013%); highest among the groups gnomAD compares: Admixed American, 0.012%; no homozygotes.

Submissions (2):

Ambry Genetics
Classification: Uncertain significance for Inborn genetic diseases. Last evaluated: 2023-05-24. Review status: criteria provided, single submitter. Criteria: Ambry Variant Classification Scheme 2023. Collection method: clinical testing. Allele origin: germline.

Labcorp Genetics (formerly Invitae), Labcorp
Classification: Uncertain significance. Last evaluated: 2022-03-01. Review status: criteria provided, single submitter. Criteria: Invitae Variant Classification Sherloc (09022015). Collection method: clinical testing. Allele origin: germline.
Comment: This sequence change replaces valine, which is neutral and non-polar, with methionine, which is neutral and non-polar, at codon 2049 of the FRAS1 protein (p.Val2049Met). This variant is present in population databases (rs764148711, gnomAD 0.01%). This variant has not been reported in the literature in individuals affected with FRAS1-related conditions. Algorithms developed to predict the effect of missense changes on protein structure and function (SIFT, PolyPhen-2, Align-GVGD) all suggest that this variant is likely to be tolerated. In summary, the available evidence is currently insufficient to determine the role of this variant in disease. Therefore, it has been classified as a Variant of Uncertain Significance.